The following is an entry in ClinVar:

ClinVar aggregate classification (germline): Uncertain significance. Review status: criteria provided, multiple submitters, no conflicts (2 of 4 stars). 2 submissions from 2 submitters: Uncertain significance (2). Last evaluated 2025-08-29.

Conditions:
Cardiac arrhythmia. Also called: Arrhythmia; Cardiac rhythm disease. Identifiers: MedGen C0003811, MONDO:0007263, HP:0011675.
Long QT syndrome (LQTS). Identifiers: MedGen C0023976, MeSH D008133, MONDO:0002442. Disease mechanism: loss of function. Inheritance: Various modes of inheritance.

Submissions (2):

Labcorp Genetics (formerly Invitae), Labcorp
Classification: Uncertain significance for Long QT syndrome. Last evaluated: 2025-08-29. Review status: criteria provided, single submitter. Criteria: Invitae Variant Classification Sherloc (09022015). Collection method: clinical testing. Allele origin: germline.
Comment: This sequence change replaces arginine, which is basic and polar, with serine, which is neutral and polar, at codon 356 of the KCNH2 protein (p.Arg356Ser). This variant is not present in population databases (gnomAD no frequency). This variant has not been reported in the literature in individuals affected with KCNH2-related conditions. ClinVar contains an entry for this variant (Variation ID: 3893989). An algorithm developed to predict the effect of missense changes on protein structure and function (PolyPhen-2) suggests that this variant is likely to be tolerated. In summary, the available evidence is currently insufficient to determine the role of this variant in disease. Therefore, it has been classified as a Variant of Uncertain Significance.

Color Diagnostics, LLC DBA Color Health
Classification: Uncertain significance for Cardiac arrhythmia. Last evaluated: 2024-07-08. Review status: criteria provided, single submitter. Criteria: ACMG Guidelines, 2015. Collection method: clinical testing. Allele origin: germline.
Comment: This missense variant replaces arginine with serine at codon 356 of the KCNH2 protein. Computational prediction is inconclusive regarding the impact of this variant on protein structure and function (internally defined REVEL score threshold 0.5 < inconclusive < 0.7, PMID: 27666373). To our knowledge, functional studies have not been reported for this variant. This variant has not been reported in individuals affected with KCNH2-related disorders in the literature. This variant has not been identified in the general population by the Genome Aggregation Database (gnomAD). The available evidence is insufficient to determine the role of this variant in disease conclusively. Therefore, this variant is classified as a Variant of Uncertain Significance.

NM_000238.4(KCNH2):c.1066C>A (p.Arg356Ser)

Gene: KCNH2 (potassium voltage-gated channel subfamily H member 2; minus strand). Cytogenetic location: 7q36.1.
Variant type: single nucleotide variant.
Coding change: c.1066C>A on transcript NM_000238.4 (MANE Select); coding-DNA position 1066, C replaced by A.
Protein change: p.Arg356Ser; replaces arginine 356 with serine.
Molecular consequence: missense variant. On other transcripts: non-coding transcript variant (1).
Genome position (GRCh38, 1-based): chr7:150,957,353, G>T on the plus strand (C>A on the coding strand, the complement: KCNH2 is on the minus strand). VCF-style: chr7-150957353-G-T. GRCh37 (hg19) VCF-style: chr7-150654441-G-T.
Other names: c.778C>A, p.Arg260Ser (NM_001406753.1, NM_001406756.1); c.889C>A, p.Arg297Ser (NM_001406755.1); c.766C>A, p.Arg256Ser (NM_001406757.1); c.1066C>A, p.Arg356Ser (NM_172056.3); short protein forms R256S, R260S, R297S, R356S.
Identifiers: ClinVar variation 3893989 (VCV003893989.2).
Genomic context (GRCh38, chr7:150,957,353, plus strand): 5'-GGGTGACCTTCTCAGTGACATTGTGGGTTCGCTCCTTTATCTTAGGTGCTATGATCTCAC[G>T]GTCACTGGTGGGCGAAGCCAAGAAGGGGTCGCCCTTGAGGTCCACAAAGTTGAGGGTGAT-3'
Protein context (NP_000229.1, residues 346-366): DPFLASPTSD[Arg356Ser]EIIAPKIKER